The following is an entry in ClinVar:

NM_007294.4(BRCA1):c.832dup (p.Thr278fs)

Gene: BRCA1 (BRCA1 DNA repair associated; minus strand). Cytogenetic location: 17q21.31.
Variant type: Duplication.
Coding change: c.832dup on transcript NM_007294.4 (MANE Select); coding-DNA position 832, one base duplicated (A; older notation c.832dupA).
Protein change: p.Thr278fs; shifts the reading frame from threonine 278.
Molecular consequence: frameshift variant. On other transcripts: 5 prime UTR variant (2), intron variant (137).
Genome position (GRCh38, 1-based): chr17:43,094,699, T duplicated on the plus strand (A on the coding strand, the reverse complement: BRCA1 is on the minus strand). VCF-style (leftmost placement, unchanged base first): chr17-43094698-G-GT. GRCh37 (hg19) VCF-style: chr17-41246715-G-GT.
Other names: 951dupA; c.832dupA (NM_007294.3); c.754dup, p.Thr252fs (NM_001407657.1, NM_001407658.1, NM_001407663.1 and 4 more transcripts); c.751dup, p.Thr251fs (NM_001407659.1, NM_001407660.1, NM_001407661.1 and 1 more transcripts); c.709dup, p.Thr237fs (NM_001407664.1, NM_001407665.1, NM_001407666.1 and 19 more transcripts); c.706dup, p.Thr236fs (NM_001407670.1, NM_001407671.1, NM_001407672.1 and 11 more transcripts); c.832dup, p.Thr278fs (NM_001407684.1, NM_001407854.1, NM_001407858.1 and 30 more transcripts); c.691dup, p.Thr231fs (NM_001407692.1, NM_001407694.1, NM_001407695.1 and 29 more transcripts); and 42 more; short protein forms T231fs, T278fs, T166fs, T167fs, T230fs, T275fs, T110fs, T151fs.
Identifiers: ClinVar variation 266585 (VCV000266585.22), dbSNP rs886040325, ClinGen allele CA10589988.
Genomic context (GRCh38, chr17:43,094,698, plus strand): 5'-TTCATTCTGTCTTTAGTGAGTAATAAACTGCTGTTCTCATGCTGTAATGAGCTGGCATGA[G>GT]TATTTGTGCCACATGGCTCCACATGCAAGTTTGAAACAGAACTACCCTGATACTTTTCTG-3'

ClinVar aggregate classification (germline): Pathogenic. Review status: reviewed by expert panel (3 of 4 stars). 7 submissions from 7 submitters: Pathogenic (1). 6 of the submissions do not count toward it. Last evaluated 2016-10-18.

Conditions:
Hereditary cancer-predisposing syndrome. Also called: Hereditary Cancer Syndrome; Neoplastic Syndromes, Hereditary; Hereditary neoplastic syndrome; Tumor predisposition. Identifiers: Orphanet 140162, MedGen C0027672, MeSH D009386, MONDO:0015356.
Hereditary breast ovarian cancer syndrome. Also called: Hereditary breast and ovarian cancer syndrome (HBOC); Breast and ovarian cancer; Hereditary breast and ovarian cancer syndrome; Hereditary breast and ovarian cancer; BRCA1- and BRCA2-Associated Hereditary Breast and Ovarian Cancer; Hereditary breast and/or ovarian cancer syndrome. Identifiers: Orphanet 145, MedGen C0677776, MeSH D061325, MONDO:0003582. Disease mechanism: loss of function.
Breast-ovarian cancer, familial, susceptibility to, 1 (BROVCA1). Also called: BRCA1 Hereditary Breast and Ovarian Cancer; OVARIAN CANCER, SUSCEPTIBILITY TO. Identifiers: Orphanet 145, MedGen C2676676, MONDO:0011450, OMIM 604370. Disease mechanism: loss of function.

Submissions (7):

Evidence-based Network for the Interpretation of Germline Mutant Alleles (ENIGMA)
Classification: Pathogenic for Breast-ovarian cancer, familial, susceptibility to, 1. Last evaluated: 2016-10-18. Review status: reviewed by expert panel. Criteria: ENIGMA BRCA1/2 Classification Criteria (2015). Collection method: curation. Allele origin: germline.
Comment: Variant allele predicted to encode a truncated non-functional protein.

Labcorp Genetics (formerly Invitae), Labcorp
Classification: Pathogenic for Hereditary breast ovarian cancer syndrome. Last evaluated: 2023-12-20. Review status: criteria provided, single submitter. Criteria: Invitae Variant Classification Sherloc (09022015). Collection method: clinical testing. Allele origin: germline. Not counted in ClinVar's aggregate classification.
Comment: This sequence change creates a premature translational stop signal (p.Thr278Asnfs*9) in the BRCA1 gene. It is expected to result in an absent or disrupted protein product. Loss-of-function variants in BRCA1 are known to be pathogenic (PMID: 20104584). This variant is not present in population databases (gnomAD no frequency). This premature translational stop signal has been observed in individual(s) with breast cancer (PMID: 23096355). This variant is also known as c.951_952insA. ClinVar contains an entry for this variant (Variation ID: 266585). For these reasons, this variant has been classified as Pathogenic.

Ambry Genetics
Classification: Pathogenic for Hereditary cancer-predisposing syndrome. Last evaluated: 2023-05-15. Review status: criteria provided, single submitter. Criteria: Ambry Variant Classification Scheme 2023. Collection method: clinical testing. Allele origin: germline. Not counted in ClinVar's aggregate classification.
Comment: The c.832dupA pathogenic mutation, located in coding exon 9 of the BRCA1 gene, results from a duplication of A at nucleotide position 832, causing a translational frameshift with a predicted alternate stop codon (p.T278Nfs*9). One study detected this alteration in 2/58 familial breast cancer patients from Venezuela (Lara K et al. Biol. Res., 2012;45:117-30). Of note this alteration is also known as c.951_952insA in published literature. In addition to the clinical data presented in the literature, this alteration is expected to result in loss of function by premature protein truncation or nonsense-mediated mRNA decay. As such, this alteration is interpreted as a disease-causing mutation.

Color Diagnostics, LLC DBA Color Health
Classification: Pathogenic for Hereditary cancer-predisposing syndrome. Last evaluated: 2023-01-09. Review status: criteria provided, single submitter. Criteria: ACMG Guidelines, 2015. Collection method: clinical testing. Allele origin: germline. Not counted in ClinVar's aggregate classification.
Comment: This variant inserts 1 nucleotide in exon 10 of the BRCA1 gene, creating a frameshift and premature translation stop signal. This variant is expected to result in an absent or non-functional protein product. This variant has been reported in two individuals affected with breast cancer (PMID: 23096355). This variant has not been identified in the general population by the Genome Aggregation Database (gnomAD). Loss of BRCA1 function is a known mechanism of disease. Based on the available evidence, this variant is classified as Pathogenic.

GeneDx
Classification: Pathogenic. Last evaluated: 2019-08-07. Review status: criteria provided, single submitter. Criteria: GeneDx Variant Classification Process June 2021. Collection method: clinical testing. Allele origin: germline. Affected: yes. Not counted in ClinVar's aggregate classification.
Comment: Frameshift variant predicted to result in protein truncation or nonsense mediated decay in a gene for which loss-of-function is a known mechanism of disease; Not observed in large population cohorts (Lek 2016); Truncating variants in this gene are considered pathogenic by a well-established clinical consortium and/or database; Also known as 951_952insA; Observed in individuals with Hereditary Breast and Ovarian Cancer (Lara 2012, Rebbeck 2018); This variant is associated with the following publications: (PMID: 24312913, 29446198, 23096355)

Consortium of Investigators of Modifiers of BRCA1/2 (CIMBA), c/o University of Cambridge
Classification: Pathogenic for Breast-ovarian cancer, familial, susceptibility to, 1. Last evaluated: 2015-10-02. Review status: criteria provided, single submitter. Criteria: CIMBA Mutation Classification guidelines May 2016. Collection method: clinical testing. Allele origin: germline. Not counted in ClinVar's aggregate classification.

Counsyl
Classification: Pathogenic for Breast-ovarian cancer, familial, susceptibility to, 1. Last evaluated: 2017-01-24. Review status: no assertion criteria provided. Collection method: clinical testing. Allele origin: unknown. Not counted in ClinVar's aggregate classification.

Literature cited by the submitters: PubMed 20104584 (cited by Labcorp Genetics (formerly Invitae), Labcorp); PubMed 23096355 (cited by 4 submitters); PubMed 24312913 (cited by Ambry Genetics); PubMed 29446198 (cited by Ambry Genetics).